The following is an entry in ClinVar:

ClinVar aggregate classification (germline): Uncertain significance (1 of 4 stars; one submission).

gnomAD v4.1: 4 of 1,614,146 alleles (0.00025%); highest among the groups gnomAD compares: Non-Finnish European, 0.00034%; no homozygotes.

Submission:

GeneDx
Classification: Uncertain significance. Last evaluated: 2024-02-13. Review status: criteria provided, single submitter. Criteria: GeneDx Variant Classification Process June 2021. Collection method: clinical testing. Allele origin: germline. Affected: yes.
Comment: Not observed at significant frequency in large population cohorts (gnomAD); In silico analysis supports that this missense variant has a deleterious effect on protein structure/function; Has not been previously published as pathogenic or benign to our knowledge

NM_000875.5(IGF1R):c.3109G>A (p.Glu1037Lys)

Gene: IGF1R (insulin like growth factor 1 receptor; plus strand). Cytogenetic location: 15q26.3.
Variant type: single nucleotide variant.
Coding change: c.3109G>A on transcript NM_000875.5 (MANE Select); coding-DNA position 3109, G replaced by A.
Protein change: p.Glu1037Lys; replaces glutamic acid 1037 with lysine.
Molecular consequence: missense variant.
Genome position (GRCh38, 1-based): chr15:98,934,976, G>A. VCF-style: chr15-98934976-G-A. GRCh37 (hg19) VCF-style: chr15-99478205-G-A.
Other names: c.3106G>A, p.Glu1036Lys (NM_001291858.2); short protein forms E1036K, E1037K.
Identifiers: ClinVar variation 3369245 (VCV003369245.1).